The following is an entry in ClinVar:

NM_152564.5(VPS13B):c.3379G>T (p.Gly1127Trp)

Gene: VPS13B (vacuolar protein sorting 13 homolog B; plus strand). Cytogenetic location: 8q22.2.
Variant type: single nucleotide variant.
Coding change: c.3379G>T on transcript NM_152564.5 (MANE Select); coding-DNA position 3379, G replaced by T.
Protein change: p.Gly1127Trp; replaces glycine 1127 with tryptophan.
Molecular consequence: missense variant.
Genome position (GRCh38, 1-based): chr8:99,442,569, G>T. VCF-style: chr8-99442569-G-T. GRCh37 (hg19) VCF-style: chr8-100454797-G-T.
Other names: c.3379G>T, p.Gly1127Trp (NM_017890.5); c.3379G>T (NM_152564.4); short protein forms G1127W.
Identifiers: ClinVar variation 909260 (VCV000909260.10), dbSNP rs117357319, ClinGen allele CA4823235.

ClinVar aggregate classification (germline): Uncertain significance. Review status: criteria provided, multiple submitters, no conflicts (2 of 4 stars). 4 submissions from 4 submitters: Uncertain significance (4). Last evaluated 2026-03-21.

Conditions:
VPS13B-related disorder. Also called: VPS13B-related condition.
Cohen syndrome (COH1). Also called: Cutis verticis gyrata, retinitis pigmentosa, and sensorineural deafness; PEPPER SYNDROME. Identifiers: Orphanet 193, MedGen C0265223, MONDO:0008999, OMIM 216550.

Allele frequency attached by ClinVar (database versions not stated): TOPMed 0.00003; gnomAD exomes 0.00004 and 0.00037; gnomAD 0.00005 and 0.00017; ExAC 0.00006; 1000 Genomes Project 30x 0.00078; 1000 Genomes Project 0.00100.
gnomAD v4.1: 552 of 1,613,852 alleles (0.034%); highest among the groups gnomAD compares: East Asian, 1.2%; 6 homozygotes.

Submissions (4):

PreventionGenetics, part of Exact Sciences
Classification: Uncertain significance for VPS13B-related condition. Last evaluated: 2026-03-21. Review status: criteria provided, single submitter. Criteria: ACMG Guidelines, 2015. Collection method: clinical testing. Allele origin: germline.
Comment: The VPS13B c.3379G>T variant is predicted to result in the amino acid substitution p.Gly1127Trp. To our knowledge, this variant has not been reported in the literature. This variant is reported in 0.055% of alleles in individuals of East Asian descent in gnomAD. Although we suspect that this variant may be benign, at this time, the clinical significance of this variant is uncertain due to the absence of conclusive functional and genetic evidence.

Labcorp Genetics (formerly Invitae), Labcorp
Classification: Uncertain significance for Cohen syndrome. Last evaluated: 2025-12-19. Review status: criteria provided, single submitter. Criteria: Invitae Variant Classification Sherloc (09022015). Collection method: clinical testing. Allele origin: germline.
Comment: This sequence change replaces glycine, which is neutral and non-polar, with tryptophan, which is neutral and slightly polar, at codon 1127 of the VPS13B protein (p.Gly1127Trp). This variant is present in population databases (rs117357319, gnomAD 0.07%), including at least one homozygous and/or hemizygous individual. This variant has not been reported in the literature in individuals affected with VPS13B-related conditions. ClinVar contains an entry for this variant (Variation ID: 909260). Invitae Evidence Modeling of protein sequence and biophysical properties (such as structural, functional, and spatial information, amino acid conservation, physicochemical variation, residue mobility, and thermodynamic stability) indicates that this missense variant is expected to disrupt VPS13B protein function with a positive predictive value of 80%. In summary, the available evidence is currently insufficient to determine the role of this variant in disease. Therefore, it has been classified as a Variant of Uncertain Significance.

Fulgent Genetics
Classification: Uncertain significance for Cohen syndrome. Last evaluated: 2024-01-26. Review status: criteria provided, single submitter. Criteria: ACMG Guidelines, 2015. Collection method: clinical testing. Allele origin: germline.

Illumina Laboratory Services, Illumina
Classification: Uncertain significance for Cohen syndrome. Last evaluated: 2018-01-12. Review status: criteria provided, single submitter. Criteria: ICSL Variant Classification Criteria 13 December 2019. Collection method: clinical testing. Allele origin: germline.